The following is an entry in ClinVar:

ClinVar aggregate classification (germline): Uncertain significance (1 of 4 stars; one submission).

Submission:

Dasa
Classification: Uncertain significance. Last evaluated: 2026-03-20. Review status: criteria provided, single submitter. Criteria: DASA Assertion Criteria. Collection method: clinical testing. Allele origin: germline.
Comment: NM_000097.7(CPOX):c.656C>G (p.Ala219Gly) is a missense variant that results in the substitution of alanine with glycine. This variant is rare in population databases. The currently available literature and clinical evidence are not sufficient to establish a definitive association between this variant and the reported condition. Therefore, this variant is classified as a variant of uncertain significance.

NM_000097.7(CPOX):c.656C>G (p.Ala219Gly)

Gene: CPOX (coproporphyrinogen oxidase; minus strand). Cytogenetic location: 3q11.2.
Variant type: single nucleotide variant.
Coding change: c.656C>G on transcript NM_000097.7 (MANE Select); coding-DNA position 656, C replaced by G.
Protein change: p.Ala219Gly; replaces alanine 219 with glycine.
Molecular consequence: missense variant.
Genome position (GRCh38, 1-based): chr3:98,591,056, G>C on the plus strand (C>G on the coding strand, the complement: CPOX is on the minus strand). VCF-style: chr3-98591056-G-C. GRCh37 (hg19) VCF-style: chr3-98309900-G-C.
Other names: short protein forms A219G.
Identifiers: ClinVar variation 4882146 (VCV004882146.2).